The following is an entry in ClinVar:

ClinVar aggregate classification (germline): Uncertain significance (1 of 4 stars; one submission).

Allele frequency attached by ClinVar (database versions not stated): gnomAD exomes below 0.00001.
gnomAD v4.1: 2 of 1,614,246 alleles (0.00012%); highest among the groups gnomAD compares: Admixed American, 0.0017%; no homozygotes.

Submission:

Labcorp Genetics (formerly Invitae), Labcorp
Classification: Uncertain significance. Last evaluated: 2022-08-10. Review status: criteria provided, single submitter. Criteria: Invitae Variant Classification Sherloc (09022015). Collection method: clinical testing. Allele origin: germline.
Comment: This sequence change replaces isoleucine, which is neutral and non-polar, with threonine, which is neutral and polar, at codon 553 of the SCNN1B protein (p.Ile553Thr). In summary, the available evidence is currently insufficient to determine the role of this variant in disease. Therefore, it has been classified as a Variant of Uncertain Significance. Algorithms developed to predict the effect of missense changes on protein structure and function are either unavailable or do not agree on the potential impact of this missense change (SIFT: "Tolerated"; PolyPhen-2: "Probably Damaging"; Align-GVGD: "Class C0"). This variant has not been reported in the literature in individuals affected with SCNN1B-related conditions. This variant is present in population databases (no rsID available, gnomAD 0.003%).

NM_000336.3(SCNN1B):c.1658T>C (p.Ile553Thr)

Gene: SCNN1B (sodium channel epithelial 1 subunit beta; plus strand). Cytogenetic location: 16p12.2.
Variant type: single nucleotide variant.
Coding change: c.1658T>C on transcript NM_000336.3 (MANE Select); coding-DNA position 1658, T replaced by C.
Protein change: p.Ile553Thr; replaces isoleucine 553 with threonine.
Molecular consequence: missense variant.
Genome position (GRCh38, 1-based): chr16:23,380,536, T>C. VCF-style: chr16-23380536-T-C. GRCh37 (hg19) VCF-style: chr16-23391857-T-C.
Other names: c.1550T>C, p.Ile517Thr (NM_001410900.1); short protein forms I553T, I517T.
Identifiers: ClinVar variation 1910061 (VCV001910061.5), dbSNP rs1438411277, ClinGen allele CA395113332.